The following is an entry in ClinVar:

NM_007194.4(CHEK2):c.1021A>C (p.Asn341His)

Gene: CHEK2 (checkpoint kinase 2; minus strand). Cytogenetic location: 22q12.1.
Variant type: single nucleotide variant.
Coding change: c.1021A>C on transcript NM_007194.4 (MANE Select); coding-DNA position 1021, A replaced by C.
Protein change: p.Asn341His; replaces asparagine 341 with histidine.
Molecular consequence: missense variant. On other transcripts: intron variant (3).
Genome position (GRCh38, 1-based): chr22:28,696,975, T>G on the plus strand (A>C on the coding strand, the complement: CHEK2 is on the minus strand). VCF-style: chr22-28696975-T-G. GRCh37 (hg19) VCF-style: chr22-29092963-T-G.
Other names: c.1150A>C, p.Asn384His (NM_001005735.3); c.358A>C, p.Asn120His (NM_001257387.3, NM_001437942.1); c.820A>C, p.Asn274His (NM_001349956.3); c.1114A>C, p.Asn372His (NM_001438293.1); c.1009-1102A>C (NM_145862.3); c.1102-1102A>C (NM_001438295.1); c.1138-1102A>C (NM_001438294.1); short protein forms N274H, N341H, N384H, N120H, N372H.
Identifiers: ClinVar variation 1436714 (VCV001436714.9), dbSNP rs2145817987, ClinGen allele CA411097798.

ClinVar aggregate classification (germline): Uncertain significance (1 of 4 stars; one submission).

Conditions:
Familial cancer of breast. Also called: hereditary breast carcinoma; BREAST CANCER, FAMILIAL; Hereditary breast cancer. Identifiers: Orphanet 227535, MedGen C0346153, MONDO:0016419, OMIM 114480. Disease mechanism: loss of function.

Submission:

Labcorp Genetics (formerly Invitae), Labcorp
Classification: Uncertain significance for Familial cancer of breast. Last evaluated: 2025-06-09. Review status: criteria provided, single submitter. Criteria: Invitae Variant Classification Sherloc (09022015). Collection method: clinical testing. Allele origin: germline.
Comment: This sequence change replaces asparagine, which is neutral and polar, with histidine, which is basic and polar, at codon 341 of the CHEK2 protein (p.Asn341His). This variant is not present in population databases (gnomAD no frequency). This variant has not been reported in the literature in individuals affected with CHEK2-related conditions. ClinVar contains an entry for this variant (Variation ID: 1436714). An algorithm developed to predict the effect of missense changes on protein structure and function (PolyPhen-2) suggests that this variant is likely to be disruptive. In summary, the available evidence is currently insufficient to determine the role of this variant in disease. Therefore, it has been classified as a Variant of Uncertain Significance.